The following is an entry in ClinVar:

NM_033028.5(BBS4):c.405+2T>G

Gene: BBS4 (Bardet-Biedl syndrome 4; plus strand). Cytogenetic location: 15q24.1.
Variant type: single nucleotide variant.
Coding change: c.405+2T>G on transcript NM_033028.5 (MANE Select); the canonical splice donor site of the intron after coding-DNA position 405, T replaced by G.
Molecular consequence: splice donor variant.
Genome position (GRCh38, 1-based): chr15:72,716,852, T>G. VCF-style: chr15-72716852-T-G. GRCh37 (hg19) VCF-style: chr15-73009193-T-G.
Other names: c.405+2T>G (NM_001320665.2); c.-117+2T>G (NM_001252678.2).
Identifiers: ClinVar variation 4804378 (VCV004804378.1).
Genomic context (GRCh38, chr15:72,716,852, plus strand): 5'-AACATAAAGCTGCCATTGAAGTATATAATGAAGCAGCTAAACTCAACCAGAAAGATTGGG[T>G]AAGTAGAGAACTTTCAGTTCTTTCTTATTAGTAAACTTGCTAATGGTTCCATTTATCATC-3'

ClinVar aggregate classification (germline): Likely pathogenic (1 of 4 stars; one submission).

Conditions:
Bardet-Biedl syndrome (BBS). Identifiers: Orphanet 110, MedGen C0752166, MONDO:0015229.

Submission:

Labcorp Genetics (formerly Invitae), Labcorp
Classification: Likely pathogenic for Bardet-Biedl syndrome. Last evaluated: 2025-07-17. Review status: criteria provided, single submitter. Criteria: Invitae Variant Classification Sherloc (09022015). Collection method: clinical testing. Allele origin: germline.
Comment: This sequence change affects a donor splice site in intron 6 of the BBS4 gene. It is expected to disrupt RNA splicing. Variants that disrupt the donor or acceptor splice site typically lead to a loss of protein function (PMID: 16199547), and loss-of-function variants in BBS4 are known to be pathogenic (PMID: 11381270, 12016587, 20177705, 26355662, 27894351). This variant is not present in population databases (gnomAD no frequency). This variant has not been reported in the literature in individuals affected with BBS4-related conditions. Algorithms developed to predict the effect of sequence changes on RNA splicing suggest that this variant may disrupt the consensus splice site. In summary, the currently available evidence indicates that the variant is pathogenic, but additional data are needed to prove that conclusively. Therefore, this variant has been classified as Likely Pathogenic.

Literature cited by the submitters: PubMed 16199547; PubMed 11381270; PubMed 12016587; PubMed 20177705; PubMed 26355662; PubMed 27894351.